The following is an entry in ClinVar:

NM_003079.5(SMARCE1):c.113A>G (p.Asn38Ser)

Gene: SMARCE1 (SWI/SNF related BAF chromatin remodeling complex subunit E1; minus strand). Cytogenetic location: 17q21.2.
Variant type: single nucleotide variant.
Coding change: c.113A>G on transcript NM_003079.5 (MANE Select); coding-DNA position 113, A replaced by G.
Protein change: p.Asn38Ser; replaces asparagine 38 with serine.
Molecular consequence: missense variant.
Genome position (GRCh38, 1-based): chr17:40,642,498, T>C on the plus strand (A>G on the coding strand, the complement: SMARCE1 is on the minus strand). VCF-style: chr17-40642498-T-C. GRCh37 (hg19) VCF-style: chr17-38798750-T-C.
Other names: short protein forms N38S.
Identifiers: ClinVar variation 818419 (VCV000818419.8), dbSNP rs915901827, ClinGen allele CA290557478.

ClinVar aggregate classification (germline): Conflicting classifications of pathogenicity. Review status: criteria provided, conflicting classifications (1 of 4 stars). 2 submissions from 2 submitters: Uncertain significance (1); Likely benign (1). Last evaluated 2025-08-01.

Conditions:
Familial meningioma. Also called: Meningioma, familial, susceptibility to. Identifiers: Orphanet 263662, MedGen C3551915, MONDO:0011789, OMIM 607174.
Hereditary cancer-predisposing syndrome. Also called: Tumor predisposition; Hereditary neoplastic syndrome; Neoplastic Syndromes, Hereditary; Hereditary Cancer Syndrome. Identifiers: Orphanet 140162, MedGen C0027672, MeSH D009386, MONDO:0015356.

Allele frequency attached by ClinVar (database versions not stated): gnomAD exomes below 0.00001; TOPMed below 0.00001; gnomAD 0.00001.
gnomAD v4.1: 3 of 1,612,728 alleles (0.00019%); highest among the groups gnomAD compares: South Asian, 0.0011%; no homozygotes.

Submissions (2):

Ambry Genetics
Classification: Likely benign for Hereditary cancer-predisposing syndrome. Last evaluated: 2025-08-01. Review status: criteria provided, single submitter. Criteria: Ambry Variant Classification Scheme 2023. Collection method: clinical testing. Allele origin: germline.

Labcorp Genetics (formerly Invitae), Labcorp
Classification: Uncertain significance for Familial meningioma. Last evaluated: 2023-12-13. Review status: criteria provided, single submitter. Criteria: Invitae Variant Classification Sherloc (09022015). Collection method: clinical testing. Allele origin: germline.
Comment: This sequence change replaces asparagine, which is neutral and polar, with serine, which is neutral and polar, at codon 38 of the SMARCE1 protein (p.Asn38Ser). This variant is not present in population databases (gnomAD no frequency). This variant has not been reported in the literature in individuals affected with SMARCE1-related conditions. ClinVar contains an entry for this variant (Variation ID: 818419). Advanced modeling of protein sequence and biophysical properties (such as structural, functional, and spatial information, amino acid conservation, physicochemical variation, residue mobility, and thermodynamic stability) performed at Invitae indicates that this missense variant is not expected to disrupt SMARCE1 protein function with a negative predictive value of 80%. In summary, the available evidence is currently insufficient to determine the role of this variant in disease. Therefore, it has been classified as a Variant of Uncertain Significance.